The following is an entry in ClinVar:

NM_001127511.3(APC):c.-207C>T

Genes: APC (APC regulator of Wnt signaling pathway; plus strand), LOC129994371 (ATAC-STARR-seq lymphoblastoid active region 22910; plus strand). Cytogenetic location: 5q22.2.
Variant type: single nucleotide variant.
Coding change: c.-207C>T on transcript NM_001127511.3; 207 bases upstream of the start codon, C replaced by T.
Molecular consequence: 5 prime UTR variant. On other transcripts: non-coding transcript variant (2).
Genome position (GRCh38, 1-based): chr5:112,707,511, C>T. VCF-style: chr5-112707511-C-T. GRCh37 (hg19) VCF-style: chr5-112043208-C-T.
Other names: c.-390C>T (NM_001354895.2, NM_001407447.1, NM_001407452.1 and 3 more transcripts); c.-207C>T (NM_001354897.2, NM_001354902.2, NM_001407446.1); c.-157C>T (NM_001407448.1, NM_001407450.1, NM_001407457.1 and 1 more transcripts); c.-181C>T (NM_001407453.1); c.-1425C>T (NM_001407470.1, NM_001407472.1).
Identifiers: ClinVar variation 2575447 (VCV002575447.5), dbSNP rs1750568857, ClinGen allele CA1080214714.

ClinVar aggregate classification (germline): Uncertain significance. Review status: criteria provided, multiple submitters, no conflicts (2 of 4 stars). 2 submissions from 2 submitters: Uncertain significance (2). Last evaluated 2025-12-29.

Conditions:
Familial adenomatous polyposis 1 (FAP1). Also called: FAMILIAL ADENOMATOUS POLYPOSIS 1, ATTENUATED; POLYPOSIS, ADENOMATOUS INTESTINAL. Identifiers: MedGen C2713442, MONDO:0021056, OMIM 175100. Disease mechanism: loss of function.

Allele frequency attached by ClinVar (database versions not stated): TOPMed below 0.00001; gnomAD 0.00001.
gnomAD v4.1: 1 of 459,542 alleles (0.00022%); highest among the groups gnomAD compares: Non-Finnish European, 0.0004%; no homozygotes.

Submissions (2):

Center for Genomic Medicine, Rigshospitalet, Copenhagen University Hospital
Classification: Uncertain significance. Last evaluated: 2025-12-29. Review status: criteria provided, single submitter. Criteria: ACMG Guidelines, 2015. Collection method: clinical testing. Allele origin: germline.

Labcorp Genetics (formerly Invitae), Labcorp
Classification: Uncertain significance for Familial adenomatous polyposis 1. Last evaluated: 2025-04-07. Review status: criteria provided, single submitter. Criteria: Invitae Variant Classification Sherloc (09022015). Collection method: clinical testing. Allele origin: germline.
Comment: This variant occurs in a non-coding region of the APC gene. It does not change the encoded amino acid sequence of the APC protein. This variant is not present in population databases (gnomAD no frequency). This variant has not been reported in the literature in individuals affected with APC-related conditions. Experimental studies and prediction algorithms are not available or were not evaluated, and the functional significance of this variant is currently unknown. In summary, the available evidence is currently insufficient to determine the role of this variant in disease. Therefore, it has been classified as a Variant of Uncertain Significance.

Literature cited by the submitters: PubMed 27087319 (cited by Center for Genomic Medicine, Rigshospitalet, Copenhagen University Hospital).